The following is an entry in ClinVar:

NM_024426.6(WT1):c.1113+3G>A

Gene: WT1 (WT1 transcription factor; minus strand). Cytogenetic location: 11p13.
Variant type: single nucleotide variant.
Coding change: c.1113+3G>A on transcript NM_024426.6 (MANE Select); 3 bases into the intron after coding-DNA position 1113, G replaced by A.
Molecular consequence: intron variant.
Genome position (GRCh38, 1-based): chr11:32,399,945, C>T on the plus strand (G>A on the coding strand, the complement: WT1 is on the minus strand). VCF-style: chr11-32399945-C-T. GRCh37 (hg19) VCF-style: chr11-32421491-C-T.
Other names: c.939+3G>A (NM_001407050.1); c.990+3G>A (NM_001407047.1); c.1062+3G>A (NM_001407048.1, NM_001407049.1, NM_000378.6 and 1 more transcripts); c.1107+3G>A (NM_001407044.1); c.1113+3G>A (NM_001407046.1, NM_024424.5); c.351+3G>A (NM_001407051.1); c.411+3G>A (NM_001198552.2); c.462+3G>A (NM_001198551.2); and 1 more.
Identifiers: ClinVar variation 2094091 (VCV002094091.4), dbSNP rs2132956791, ClinGen allele CA2580084049.

ClinVar aggregate classification (germline): Uncertain significance (1 of 4 stars; one submission).

Conditions:
Drash syndrome (DDS). Also called: NEPHROPATHY, WILMS TUMOR, AND GENITAL ANOMALIES; WILMS TUMOR AND PSEUDO- OR TRUE HERMAPHRODITISM. Identifiers: Orphanet 220, MedGen C0950121, MONDO:0008682, OMIM 194080.
Frasier syndrome. Identifiers: Orphanet 347, MedGen C0950122, MeSH D052159, MONDO:0007635, OMIM 136680.
Wilms tumor 1 (WT1). Also called: Wilms tumor, somatic. Identifiers: Orphanet 654, MedGen CN033288, MONDO:0008679, OMIM 194070.
11p partial monosomy syndrome (WAGR). Also called: CHROMOSOME 11p13 DELETION SYNDROME; WAGR syndrome; WAGR Complex; WAGR Spectrum Disorder. Identifiers: Orphanet 893, MedGen C0206115, MONDO:0008681, OMIM 194072.

Allele frequency attached by ClinVar (database versions not stated): gnomAD exomes below 0.00001.
gnomAD v4.1: 4 of 1,614,164 alleles (0.00025%); highest among the groups gnomAD compares: Non-Finnish European, 0.00034%; no homozygotes.

Submission:

Labcorp Genetics (formerly Invitae), Labcorp
Classification: Uncertain significance for Wilms tumor 1; Drash syndrome; 11p partial monosomy syndrome; Frasier syndrome. Last evaluated: 2022-02-06. Review status: criteria provided, single submitter. Criteria: Invitae Variant Classification Sherloc (09022015). Collection method: clinical testing. Allele origin: germline.
Comment: In summary, the available evidence is currently insufficient to determine the role of this variant in disease. Therefore, it has been classified as a Variant of Uncertain Significance. Variants that disrupt the consensus splice site are a relatively common cause of aberrant splicing (PMID: 17576681, 9536098). Algorithms developed to predict the effect of sequence changes on RNA splicing suggest that this variant is not likely to affect RNA splicing. This variant has not been reported in the literature in individuals affected with WT1-related conditions. This variant is not present in population databases (gnomAD no frequency). This sequence change falls in intron 6 of the WT1 gene. It does not directly change the encoded amino acid sequence of the WT1 protein. It affects a nucleotide within the consensus splice site.

Literature cited by the submitters: PubMed 17576681; PubMed 9536098.